The following is an entry in ClinVar:

NM_001288705.3(CSF1R):c.2613T>G (p.Asp871Glu)

Gene: CSF1R (colony stimulating factor 1 receptor; minus strand). Cytogenetic location: 5q32.
Variant type: single nucleotide variant.
Coding change: c.2613T>G on transcript NM_001288705.3 (MANE Select); coding-DNA position 2613, T replaced by G.
Protein change: p.Asp871Glu; replaces aspartic acid 871 with glutamic acid.
Molecular consequence: missense variant. On other transcripts: non-coding transcript variant (2).
Genome position (GRCh38, 1-based): chr5:150,055,278, A>C on the plus strand (T>G on the coding strand, the complement: CSF1R is on the minus strand). VCF-style: chr5-150055278-A-C. GRCh37 (hg19) VCF-style: chr5-149434841-A-C.
Other names: c.2613T>G, p.Asp871Glu (NM_001349736.2, NM_001375320.1, NM_005211.4); c.2169T>G, p.Asp723Glu (NM_001375321.1); short protein forms D723E, D871E.
Identifiers: ClinVar variation 1031520 (VCV001031520.4), dbSNP rs778711104, ClinGen allele CA3506400.
Genomic context (GRCh38, chr5:150,055,278, plus strand): 5'-CTGGGATCCCTTCGCTTACATATTCTTTGGGGCAAATGCAGGCTGGGCCATTTGGTATCC[A>C]TCCTTCACCAGTTTATAGAACTTGCTGTTCACCAGGATGCCAGGGTAGGGATTCAGCCCT-3'
Protein context (NP_001275634.1, residues 861-881): VNSKFYKLVK[Asp871Glu]GYQMAQPAFA

ClinVar aggregate classification (germline): Uncertain significance. Review status: criteria provided, multiple submitters, no conflicts (2 of 4 stars). 2 submissions from 2 submitters: Uncertain significance (2). Last evaluated 2023-08-09.

Conditions:
Hereditary diffuse leukoencephalopathy with spheroids. Also called: LEUKOENCEPHALOPATHY, ADULT-ONSET, WITH AXONAL SPHEROIDS AND PIGMENTED GLIA. Identifiers: Orphanet 313808, MedGen C3711381, MONDO:0030796.

Allele frequency attached by ClinVar (database versions not stated): gnomAD 0.00001; TOPMed 0.00001; ExAC 0.00003; gnomAD exomes 0.00003.
gnomAD v4.1: 21 of 1,614,080 alleles (0.0013%); highest among the groups gnomAD compares: Non-Finnish European, 0.0017%; no homozygotes.

Submissions (2):

Labcorp Genetics (formerly Invitae), Labcorp
Classification: Uncertain significance. Last evaluated: 2023-08-09. Review status: criteria provided, single submitter. Criteria: Invitae Variant Classification Sherloc (09022015). Collection method: clinical testing. Allele origin: germline.
Comment: This sequence change replaces aspartic acid, which is acidic and polar, with glutamic acid, which is acidic and polar, at codon 871 of the CSF1R protein (p.Asp871Glu). This variant is present in population databases (rs778711104, gnomAD 0.005%). This variant has not been reported in the literature in individuals affected with CSF1R-related conditions. ClinVar contains an entry for this variant (Variation ID: 1031520). Advanced modeling of protein sequence and biophysical properties (such as structural, functional, and spatial information, amino acid conservation, physicochemical variation, residue mobility, and thermodynamic stability) performed at Invitae indicates that this missense variant is not expected to disrupt CSF1R protein function. In summary, the available evidence is currently insufficient to determine the role of this variant in disease. Therefore, it has been classified as a Variant of Uncertain Significance.

Baylor Genetics
Classification: Uncertain significance for Leukoencephalopathy, diffuse hereditary, with spheroids 1. Last evaluated: 2018-11-02. Review status: criteria provided, single submitter. Criteria: ACMG Guidelines, 2015. Collection method: clinical testing. Allele origin: unknown. Affected: yes.
Comment: This variant was determined to be of uncertain significance according to ACMG Guidelines, 2015 [PMID:25741868].